The following is an entry in ClinVar:

NM_021813.4(BACH2):c.922G>A (p.Glu308Lys)

Gene: BACH2 (BACH transcriptional regulator 2; minus strand). Cytogenetic location: 6q15.
Variant type: single nucleotide variant.
Coding change: c.922G>A on transcript NM_021813.4 (MANE Select); coding-DNA position 922, G replaced by A.
Protein change: p.Glu308Lys; replaces glutamic acid 308 with lysine.
Molecular consequence: missense variant.
Genome position (GRCh38, 1-based): chr6:89,951,184, C>T on the plus strand (G>A on the coding strand, the complement: BACH2 is on the minus strand). VCF-style: chr6-89951184-C-T. GRCh37 (hg19) VCF-style: chr6-90660903-C-T.
Other names: c.922G>A, p.Glu308Lys (NM_001170794.2); short protein forms E308K.
Identifiers: ClinVar variation 1920732 (VCV001920732.5), dbSNP rs61740507, ClinGen allele CA365071935.
Genomic context (GRCh38, chr6:89,951,184, plus strand): 5'-AGGCGGCCCCAGCTGGGGCCGTGGGGGTAGGGGCAGGGCTGGGCTGTTTCCGGTCCATCT[C>T]GACATCCCCCGCTCTGTCCTTGGCGTCAGGCTCATCTCCAGACAGGCAGAGCGTGATGCT-3'
Protein context (NP_068585.1, residues 298-318): PDAKDRAGDV[Glu308Lys]MDRKQPSPAP

ClinVar aggregate classification (germline): Uncertain significance (1 of 4 stars; one submission).

gnomAD v4.1: 8 of 1,613,722 alleles (0.0005%); highest among the groups gnomAD compares: South Asian, 0.0033%; no homozygotes.

Submission:

Labcorp Genetics (formerly Invitae), Labcorp
Classification: Uncertain significance. Last evaluated: 2025-07-30. Review status: criteria provided, single submitter. Criteria: Invitae Variant Classification Sherloc (09022015). Collection method: clinical testing. Allele origin: germline.
Comment: This sequence change replaces glutamic acid, which is acidic and polar, with lysine, which is basic and polar, at codon 308 of the BACH2 protein (p.Glu308Lys). This variant is present in population databases (no rsID available, gnomAD 0.006%). This variant has not been reported in the literature in individuals affected with BACH2-related conditions. ClinVar contains an entry for this variant (Variation ID: 1920732). Invitae Evidence Modeling of protein sequence and biophysical properties (such as structural, functional, and spatial information, amino acid conservation, physicochemical variation, residue mobility, and thermodynamic stability) indicates that this missense variant is not expected to disrupt BACH2 protein function with a negative predictive value of 80%. In summary, the available evidence is currently insufficient to determine the role of this variant in disease. Therefore, it has been classified as a Variant of Uncertain Significance.